The following is an entry in ClinVar:

NM_000397.4(CYBB):c.252G>A (p.Ala84=)

Gene: CYBB (cytochrome b-245 beta chain; plus strand). Cytogenetic location: Xp21.1.
Variant type: single nucleotide variant.
Coding change: c.252G>A on transcript NM_000397.4 (MANE Select); coding-DNA position 252, G replaced by A.
Protein change: p.Ala84=; no amino-acid change (alanine 84 retained).
Molecular consequence: synonymous variant.
Genome position (GRCh38, 1-based): chrX:37,783,600, G>A. VCF-style: chrX-37783600-G-A. GRCh37 (hg19) VCF-style: chrX-37642853-G-A.
Other names: 252G-A.
Identifiers: ClinVar variation 10933 (VCV000010933.37), dbSNP rs387906485, ClinGen allele CA121254.

ClinVar aggregate classification (germline): Pathogenic. Review status: criteria provided, multiple submitters, no conflicts (2 of 4 stars). 8 submissions from 8 submitters: Pathogenic (7). 1 of the submissions does not count toward it. Last evaluated 2025-03-31.

Conditions:
CYBB-related disorders.
X-linked Mendelian susceptibility to mycobacterial diseases due to CYBB deficiency. Also called: IMMUNODEFICIENCY 34; IMMUNODEFICIENCY 34, MYCOBACTERIOSIS, X-LINKED. Identifiers: Orphanet 319605, MedGen C1970859, MONDO:0010389, OMIM 300645.
Granulomatous disease, chronic, X-linked. Also called: CYTOCHROME b-NEGATIVE GRANULOMATOUS DISEASE, CHRONIC, X-LINKED; GRANULOMATOUS DISEASE, CHRONIC, X-LINKED, SOMATIC MOSAIC. Identifiers: Orphanet 379, MedGen C1844376, MONDO:0010600, OMIM 306400.

Submissions (8):

Labcorp Genetics (formerly Invitae), Labcorp
Classification: Pathogenic for Granulomatous disease, chronic, X-linked. Last evaluated: 2025-03-31. Review status: criteria provided, single submitter. Criteria: Invitae Variant Classification Sherloc (09022015). Collection method: clinical testing. Allele origin: germline.
Comment: This sequence change affects codon 84 of the CYBB mRNA. It is a 'silent' change, meaning that it does not change the encoded amino acid sequence of the CYBB protein. RNA analysis indicates that this variant induces altered splicing and likely results in a shortened protein product. This variant is not present in population databases (gnomAD no frequency). This variant has been observed in individuals with chronic granulomatous disease (PMID: 8634410, 11435314, 18546332, 29560547, 30470980). It has also been observed to segregate with disease in related individuals. ClinVar contains an entry for this variant (Variation ID: 10933). Variants that disrupt the consensus splice site are a relatively common cause of aberrant splicing (PMID: 17576681, 9536098). Studies have shown that this variant results in skipping of exons 2-3, but is expected to preserve the integrity of the reading-frame (PMID: 11435314). For these reasons, this variant has been classified as Pathogenic.

CeGaT Center for Human Genetics Tuebingen
Classification: Pathogenic. Last evaluated: 2024-07-01. Review status: criteria provided, single submitter. Criteria: CeGaT Center For Human Genetics Tuebingen Variant Classification Criteria Version 2. Collection method: clinical testing. Allele origin: germline. Affected: yes. Observed: 1 variant allele.
Comment: CYBB: PVS1:Strong, PP1:Moderate, PS4:Moderate, PM2:Supporting, PS1:Supporting

Blueprint Genetics
Classification: Pathogenic for CYBB-related disorders. Last evaluated: 2024-05-03. Review status: criteria provided, single submitter. Criteria: ACMG Guidelines, 2015. Collection method: clinical testing. Allele origin: germline. Affected: yes. Observed: 2 variant alleles.

GeneDx
Classification: Pathogenic. Last evaluated: 2023-03-27. Review status: criteria provided, single submitter. Criteria: GeneDx Variant Classification Process June 2021. Collection method: clinical testing. Allele origin: germline. Affected: yes.
Comment: Published functional studies demonstrate that the variant results in the skipping of exon 3 and a minor fraction of mRNA expression (Ishibashi et al., 2001; Khaldi et al., 2009; Hui et al., 1996); Not observed in large population cohorts (gnomAD); This variant is associated with the following publications: (PMID: 19483051, 25525159, 22929960, 10914676, 9585602, 8916969, 8900212, 32712647, 18546332, 33717137, 35140711, 22015033, 11435314, 8634410, 17543165, 15577746, 29560547, 23193493, 33325540, 30470980, 32084423, 31375816, 35874699, 34206017, 34175765)

Fulgent Genetics
Classification: Pathogenic for X-linked Mendelian susceptibility to mycobacterial diseases due to CYBB deficiency; Granulomatous disease, chronic, X-linked. Last evaluated: 2021-09-07. Review status: criteria provided, single submitter. Criteria: ACMG Guidelines, 2015. Collection method: clinical testing. Allele origin: unknown.

Revvity Omics, Revvity
Classification: Pathogenic. Last evaluated: 2021-05-12. Review status: criteria provided, single submitter. Criteria: ACMG Guidelines, 2015. Collection method: clinical testing. Allele origin: germline.

Women's Health and Genetics/Laboratory Corporation of America, LabCorp
Classification: Pathogenic for Chronic granulomatous disease, X-linked. Last evaluated: 2018-06-21. Review status: criteria provided, single submitter. Criteria: LabCorp Variant Classification Summary - May 2015. Collection method: clinical testing. Allele origin: germline.
Comment: Variant summary: CYBB c.252G>A (p.Ala84Ala) alters a conserved nucleotide located close to a canonical splice site and therefore could affect mRNA splicing, leading to a significantly altered protein sequence. Several computational tools predict a significant impact on normal splicing: One predict the variant abolishes a 5 splicing donor site. Three predict the variant weakens a 5' donor site. Publications also reported experimental evidence that this variant affects mRNA splicing, demonstrating partial exon 3 skipping (Ishibashi 2000, Khaldi 2009). The variant was absent in 84096 control chromosomes. c.252G>A has been reported in the literature in multiple individuals affected with X-linked Chronic Granulomatous Disease (Rae 1998, Ishibashi 2000), however in several cases with a less severe, atypical or heterogeneous phenotypes (Khaldi 2009, Gutierrez 2012). These data indicate that the variant is very likely to be associated with disease. Several publications also reported experimental evidence evaluating an impact on protein function, demonstrating a residual NADPH oxidase activity and an abnormal neutrophil oxidative burst (e.g. Rae 1998, Gutierrez 2012). The most pronounced variant effect results in <10% of normal activity. One clinical diagnostic laboratory has submitted clinical-significance assessments for this variant to ClinVar after 2014, and classified the variant as pathogenic. Based on the evidence outlined above, the variant was classified as pathogenic.

OMIM
Classification: Pathogenic for GRANULOMATOUS DISEASE, CHRONIC, X-LINKED. Last evaluated: 2000-05-01. Review status: no assertion criteria provided. Collection method: literature only. Allele origin: germline. Not counted in ClinVar's aggregate classification.

Literature cited by the submitters: PubMed 8634410 (cited by Labcorp Genetics (formerly Invitae), Labcorp and OMIM); PubMed 11435314 (cited by Labcorp Genetics (formerly Invitae), Labcorp and Women's Health and Genetics/Laboratory Corporation of America, LabCorp); PubMed 18546332 (cited by Labcorp Genetics (formerly Invitae), Labcorp); PubMed 29560547 (cited by Labcorp Genetics (formerly Invitae), Labcorp); PubMed 30470980 (cited by Labcorp Genetics (formerly Invitae), Labcorp); PubMed 17576681 (cited by Labcorp Genetics (formerly Invitae), Labcorp); PubMed 9536098 (cited by Labcorp Genetics (formerly Invitae), Labcorp); PubMed 23193493 (cited by Women's Health and Genetics/Laboratory Corporation of America, LabCorp); PubMed 19483051 (cited by Women's Health and Genetics/Laboratory Corporation of America, LabCorp); PubMed 9585602 (cited by Women's Health and Genetics/Laboratory Corporation of America, LabCorp and OMIM); PubMed 10914676 (cited by OMIM); PubMed 8916969 (cited by OMIM); PubMed 8900212 (cited by OMIM).